The following is an entry in ClinVar:

NM_012330.4(KAT6B):c.4647C>G (p.Thr1549=)

Gene: KAT6B (lysine acetyltransferase 6B; plus strand). Cytogenetic location: 10q22.2.
Variant type: single nucleotide variant.
Coding change: c.4647C>G on transcript NM_012330.4 (MANE Select); coding-DNA position 4647, C replaced by G.
Protein change: p.Thr1549=; no amino-acid change (threonine 1549 retained).
Molecular consequence: synonymous variant.
Genome position (GRCh38, 1-based): chr10:75,029,471, C>G. VCF-style: chr10-75029471-C-G. GRCh37 (hg19) VCF-style: chr10-76789229-C-G.
Other names: c.4098C>G, p.Thr1366= (NM_001256468.2, NM_001370138.1); c.3771C>G, p.Thr1257= (NM_001256469.2, NM_001370139.1, NM_001370140.1 and 2 more transcripts); c.3609C>G, p.Thr1203= (NM_001370132.1); c.2958C>G, p.Thr986= (NM_001370133.1); c.2562C>G, p.Thr854= (NM_001370134.1); c.2304C>G, p.Thr768= (NM_001370135.1); c.4647C>G, p.Thr1549= (NM_001370136.1, NM_001370137.1); c.3582C>G, p.Thr1194= (NM_001370143.1, NM_001370144.1).
Identifiers: ClinVar variation 514220 (VCV000514220.1), dbSNP rs747427953, ClinGen allele CA470300158.

ClinVar aggregate classification (germline): Likely benign (1 of 4 stars; one submission).

Submission:

GeneDx
Classification: Likely benign. Last evaluated: 2017-12-21. Review status: criteria provided, single submitter. Criteria: GeneDx Variant Classification (06012015). Collection method: clinical testing. Allele origin: germline. Affected: yes.
Comment: This variant is considered likely benign or benign based on one or more of the following criteria: it is a conservative change, it occurs at a poorly conserved position in the protein, it is predicted to be benign by multiple in silico algorithms, and/or has population frequency not consistent with disease.